The following is an entry in ClinVar:

ClinVar aggregate classification (germline): Conflicting classifications of pathogenicity. Review status: criteria provided, conflicting classifications (1 of 4 stars). 2 submissions from 2 submitters: Uncertain significance (1); Likely benign (1). Last evaluated 2026-01-28.

Conditions:
Aortic valve disease 2 (AOVD2). Identifiers: MedGen C3542024, MONDO:0013902, OMIM 614823.

Allele frequency attached by ClinVar (database versions not stated): gnomAD 0.00011 and 0.00012; TOPMed 0.00014.
gnomAD v4.1: 107 of 1,223,168 alleles (0.0087%); highest among the groups gnomAD compares: Non-Finnish European, 0.01%; 1 homozygote.

Submissions (2):

Labcorp Genetics (formerly Invitae), Labcorp
Classification: Uncertain significance for Aortic valve disease 2. Last evaluated: 2026-01-28. Review status: criteria provided, single submitter. Criteria: Invitae Variant Classification Sherloc (09022015). Collection method: clinical testing. Allele origin: germline.
Comment: This sequence change replaces arginine, which is basic and polar, with cysteine, which is neutral and slightly polar, at codon 85 of the SMAD6 protein (p.Arg85Cys). This variant is present in population databases (no rsID available, gnomAD 0.02%). This missense change has been observed in individual(s) with craniosynostosis (PMID: 32499606). ClinVar contains an entry for this variant (Variation ID: 471755). An algorithm developed to predict the effect of missense changes on protein structure and function (PolyPhen-2) suggests that this variant is likely to be tolerated. In summary, the available evidence is currently insufficient to determine the role of this variant in disease. Therefore, it has been classified as a Variant of Uncertain Significance.

Mayo Clinic Laboratories, Mayo Clinic
Classification: Likely benign. Last evaluated: 2025-08-18. Review status: criteria provided, single submitter. Criteria: ACMG Guidelines, 2015. Collection method: clinical testing. Allele origin: germline. Observed: 1 variant allele.
Comment: BS2_supporting, BS3_supporting, BP4

Literature cited by the submitters: PubMed 32499606 (cited by Labcorp Genetics (formerly Invitae), Labcorp and Mayo Clinic Laboratories, Mayo Clinic).

NM_005585.5(SMAD6):c.253C>T (p.Arg85Cys)

Gene: SMAD6 (SMAD family member 6; plus strand). Cytogenetic location: 15q22.31.
Variant type: single nucleotide variant.
Coding change: c.253C>T on transcript NM_005585.5 (MANE Select); coding-DNA position 253, C replaced by T.
Protein change: p.Arg85Cys; replaces arginine 85 with cysteine.
Molecular consequence: missense variant. On other transcripts: non-coding transcript variant (1).
Genome position (GRCh38, 1-based): chr15:66,703,511, C>T. VCF-style: chr15-66703511-C-T. GRCh37 (hg19) VCF-style: chr15-66995849-C-T.
Other names: p.Arg85Cys; short protein forms R85C.
Identifiers: ClinVar variation 471755 (VCV000471755.9), dbSNP rs1056072996, ClinGen allele CA271682771.